The following is an entry in ClinVar:

ClinVar aggregate classification (germline): Uncertain significance (1 of 4 stars; one submission).

Conditions:
TWIST1-related craniosynostosis (CRS1). Also called: CRANIOSYNOSTOSIS 1. Identifiers: Orphanet 63440, MedGen C4551902, MONDO:0007399, OMIM 123100. Inheritance: Heterogenous inheritance pattern.
Saethre-Chotzen syndrome (SCS). Also called: CHOTZEN SYNDROME; ACROCEPHALY, SKULL ASYMMETRY, AND MILD SYNDACTYLY; ACS III. Identifiers: Orphanet 794, MedGen C0175699, MONDO:0007042, OMIM 101400.

Submission:

Labcorp Genetics (formerly Invitae), Labcorp
Classification: Uncertain significance for TWIST1-related craniosynostosis; Saethre-Chotzen syndrome. Last evaluated: 2020-06-12. Review status: criteria provided, single submitter. Criteria: Invitae Variant Classification Sherloc (09022015). Collection method: clinical testing. Allele origin: germline.
Comment: In summary, the available evidence is currently insufficient to determine the role of this variant in disease. Therefore, it has been classified as a Variant of Uncertain Significance. This sequence change replaces isoleucine with threonine at codon 146 of the TWIST1 protein (p.Ile146Thr). The isoleucine residue is highly conserved and there is a moderate physicochemical difference between isoleucine and threonine. This variant is not present in population databases (ExAC no frequency). This variant has not been reported in the literature in individuals with TWIST1-related conditions. Algorithms developed to predict the effect of missense changes on protein structure and function (SIFT, PolyPhen-2, Align-GVGD) all suggest that this variant is likely to be disruptive, but these predictions have not been confirmed by published functional studies and their clinical significance is uncertain.

NM_000474.4(TWIST1):c.437T>C (p.Ile146Thr)

Genes: TWIST1 (twist family bHLH transcription factor 1; minus strand), LOC129998021 (ATAC-STARR-seq lymphoblastoid active region 25682; plus strand). Cytogenetic location: 7p21.1.
Variant type: single nucleotide variant.
Coding change: c.437T>C on transcript NM_000474.4 (MANE Select); coding-DNA position 437, T replaced by C.
Protein change: p.Ile146Thr; replaces isoleucine 146 with threonine.
Molecular consequence: missense variant. On other transcripts: non-coding transcript variant (1).
Genome position (GRCh38, 1-based): chr7:19,116,885, A>G on the plus strand (T>C on the coding strand, the complement: TWIST1 is on the minus strand). VCF-style: chr7-19116885-A-G. GRCh37 (hg19) VCF-style: chr7-19156508-A-G.
Other names: short protein forms I146T.
Identifiers: ClinVar variation 1010080 (VCV001010080.9), dbSNP rs1788580225, ClinGen allele CA367015438.